The following is an entry in ClinVar:

NM_006059.4(LAMC3):c.534C>T (p.Tyr178=)

Gene: LAMC3 (laminin subunit gamma 3; plus strand). Cytogenetic location: 9q34.12.
Variant type: single nucleotide variant.
Coding change: c.534C>T on transcript NM_006059.4 (MANE Select); coding-DNA position 534, C replaced by T.
Protein change: p.Tyr178=; no amino-acid change (tyrosine 178 retained).
Molecular consequence: synonymous variant.
Genome position (GRCh38, 1-based): chr9:131,026,445, C>T. VCF-style: chr9-131026445-C-T. GRCh37 (hg19) VCF-style: chr9-133901832-C-T.
Identifiers: ClinVar variation 4823702 (VCV004823702.4).

ClinVar aggregate classification (germline): Uncertain significance (1 of 4 stars; one submission).

gnomAD v4.1: 1 of 1,613,678 alleles (0.000062%); highest among the groups gnomAD compares: Non-Finnish European, 0.000085%; no homozygotes.

Submission:

CeGaT Center for Human Genetics Tuebingen
Classification: Uncertain significance. Last evaluated: 2026-03-01. Review status: criteria provided, single submitter. Criteria: CeGaT Center For Human Genetics Tuebingen Variant Classification Criteria Version 2. Collection method: clinical testing. Allele origin: germline. Affected: yes. Observed: 1 variant allele.
Comment: LAMC3: PM2, BP4